The following is an entry in ClinVar:

ClinVar aggregate classification (germline): Uncertain significance (1 of 4 stars; one submission).

Conditions:
Epidermolysis bullosa simplex 5B, with muscular dystrophy (EBS5B). Also called: EPIDERMOLYSIS BULLOSA SIMPLEX AND LIMB-GIRDLE MUSCULAR DYSTROPHY; Epidermolysis bullosa simplex with muscular dystrophy. Identifiers: Orphanet 257, MedGen C2931072, MONDO:0009181, OMIM 226670.
Epidermolysis bullosa simplex, Ogna type (EBS5A). Also called: Pidermolysis bullosa simplex 5A, Ogna type; EPIDERMOLYSIS BULLOSA SIMPLEX 5A, OGNA TYPE. Identifiers: Orphanet 79401, MedGen C0432317, MONDO:0007555, OMIM 131950.
Epidermolysis bullosa simplex with nail dystrophy (EBS5D). Identifiers: MedGen C4225309, MONDO:0014661, OMIM 616487.
Epidermolysis bullosa simplex 5C, with pyloric atresia (EBS5C). Also called: PLEC1-Related Epidermolysis Bullosa with Pyloric Atresia; Epidermolysis bullosa simplex with pyloric atresia; PLEC-Related Epidermolysis Bullosa with Pyloric Atresia. Identifiers: Orphanet 158684, MedGen C2677349, MONDO:0012807, OMIM 612138.
Autosomal recessive limb-girdle muscular dystrophy type 2Q (LGMDR17). Also called: MUSCULAR DYSTROPHY, LIMB-GIRDLE, AUTOSOMAL RECESSIVE 17. Identifiers: Orphanet 254361, MedGen C3150989, MONDO:0013390, OMIM 613723.

Allele frequency attached by ClinVar (database versions not stated): gnomAD 0.00001; TOPMed 0.00001; gnomAD exomes 0.00002 and 0.00005; ExAC 0.00007.

Submission:

Labcorp Genetics (formerly Invitae), Labcorp
Classification: Uncertain significance for Autosomal recessive limb-girdle muscular dystrophy type 2Q; Epidermolysis bullosa simplex, Ogna type; Epidermolysis bullosa simplex with nail dystrophy; Epidermolysis bullosa simplex 5C, with pyloric atresia; Epidermolysis bullosa simplex 5B, with muscular dystrophy. Last evaluated: 2024-10-13. Review status: criteria provided, single submitter. Criteria: Invitae Variant Classification Sherloc (09022015). Collection method: clinical testing. Allele origin: germline.
Comment: This sequence change replaces alanine, which is neutral and non-polar, with serine, which is neutral and polar, at codon 3200 of the PLEC protein (p.Ala3200Ser). This variant is present in population databases (rs781820470, gnomAD 0.03%). This variant has not been reported in the literature in individuals affected with PLEC-related conditions. ClinVar contains an entry for this variant (Variation ID: 1427126). Invitae Evidence Modeling of protein sequence and biophysical properties (such as structural, functional, and spatial information, amino acid conservation, physicochemical variation, residue mobility, and thermodynamic stability) indicates that this missense variant is not expected to disrupt PLEC protein function with a negative predictive value of 80%. In summary, the available evidence is currently insufficient to determine the role of this variant in disease. Therefore, it has been classified as a Variant of Uncertain Significance.

NM_201384.3(PLEC):c.9517G>T (p.Ala3173Ser)

Gene: PLEC (plectin; minus strand). Cytogenetic location: 8q24.3.
Variant type: single nucleotide variant.
Coding change: c.9517G>T on transcript NM_201384.3 (MANE Select); coding-DNA position 9517, G replaced by T.
Protein change: p.Ala3173Ser; replaces alanine 3173 with serine.
Molecular consequence: missense variant.
Genome position (GRCh38, 1-based): chr8:143,920,304, C>A on the plus strand (G>T on the coding strand, the complement: PLEC is on the minus strand). VCF-style: chr8-143920304-C-A. GRCh37 (hg19) VCF-style: chr8-144994472-C-A.
Other names: c.9598G>T, p.Ala3200Ser (NM_000445.5); c.9475G>T, p.Ala3159Ser (NM_201378.4); c.9451G>T, p.Ala3151Ser (NM_201379.3); c.9928G>T, p.Ala3310Ser (NM_201380.4); c.9421G>T, p.Ala3141Ser (NM_201381.3); c.9517G>T, p.Ala3173Ser (NM_201382.4); c.9529G>T, p.Ala3177Ser (NM_201383.3); short protein forms A3159S, A3177S, A3200S, A3151S, A3173S, A3141S, A3310S.
Identifiers: ClinVar variation 1427126 (VCV001427126.6), dbSNP rs781820470, ClinGen allele CA4924948.